The following is an entry in ClinVar:

NM_006929.5(SKIC2):c.3431G>A (p.Arg1144Gln)

Gene: SKIC2 (SKI2 subunit of superkiller complex; plus strand). Cytogenetic location: 6p21.33.
Variant type: single nucleotide variant.
Coding change: c.3431G>A on transcript NM_006929.5 (MANE Select); coding-DNA position 3431, G replaced by A.
Protein change: p.Arg1144Gln; replaces arginine 1144 with glutamine.
Molecular consequence: missense variant.
Genome position (GRCh38, 1-based): chr6:31,969,311, G>A. VCF-style: chr6-31969311-G-A. GRCh37 (hg19) VCF-style: chr6-31937088-G-A.
Other names: c.3431G>A (NM_006929.4); short protein forms R1144Q.
Identifiers: ClinVar variation 1506893 (VCV001506893.4), dbSNP rs754925913, ClinGen allele CA3730061.

ClinVar aggregate classification (germline): Uncertain significance. Review status: criteria provided, multiple submitters, no conflicts (2 of 4 stars). 2 submissions from 2 submitters: Uncertain significance (2). Last evaluated 2025-09-25.

Conditions:
Inborn genetic diseases. Identifiers: MedGen C0950123, MeSH D030342.

Allele frequency attached by ClinVar (database versions not stated): gnomAD 0.00001; TOPMed 0.00001; ExAC 0.00002; gnomAD exomes 0.00001.
gnomAD v4.1: 18 of 1,614,068 alleles (0.0011%); highest among the groups gnomAD compares: African/African-American, 0.004%; no homozygotes.

Submissions (2):

Ambry Genetics
Classification: Uncertain significance for Inborn genetic diseases. Last evaluated: 2025-09-25. Review status: criteria provided, single submitter. Criteria: Ambry Variant Classification Scheme 2023. Collection method: clinical testing. Allele origin: germline.

Labcorp Genetics (formerly Invitae), Labcorp
Classification: Uncertain significance. Last evaluated: 2021-12-10. Review status: criteria provided, single submitter. Criteria: Invitae Variant Classification Sherloc (09022015). Collection method: clinical testing. Allele origin: germline.
Comment: This sequence change replaces arginine, which is basic and polar, with glutamine, which is neutral and polar, at codon 1144 of the SKIV2L protein (p.Arg1144Gln). This variant is present in population databases (rs754925913, gnomAD 0.003%). This variant has not been reported in the literature in individuals affected with SKIV2L-related conditions. Algorithms developed to predict the effect of missense changes on protein structure and function (SIFT, PolyPhen-2, Align-GVGD) all suggest that this variant is likely to be tolerated. Algorithms developed to predict the effect of sequence changes on RNA splicing suggest that this variant may create or strengthen a splice site. In summary, the available evidence is currently insufficient to determine the role of this variant in disease. Therefore, it has been classified as a Variant of Uncertain Significance.